The following is an entry in ClinVar:

ClinVar aggregate classification (germline): Uncertain significance (1 of 4 stars; one submission).

Allele frequency attached by ClinVar (database versions not stated): gnomAD exomes below 0.00001.
gnomAD v4.1: 2 of 1,613,566 alleles (0.00012%); highest among the groups gnomAD compares: Non-Finnish European, 0.00017%; no homozygotes.

Submission:

Labcorp Genetics (formerly Invitae), Labcorp
Classification: Uncertain significance. Last evaluated: 2023-02-09. Review status: criteria provided, single submitter. Criteria: Invitae Variant Classification Sherloc (09022015). Collection method: clinical testing. Allele origin: germline.
Comment: This sequence change replaces isoleucine, which is neutral and non-polar, with leucine, which is neutral and non-polar, at codon 49 of the SLC51B protein (p.Ile49Leu). This variant is not present in population databases (gnomAD no frequency). This variant has not been reported in the literature in individuals affected with SLC51B-related conditions. Algorithms developed to predict the effect of missense changes on protein structure and function output the following: SIFT: "Tolerated"; PolyPhen-2: "Benign"; Align-GVGD: "Class C0". The leucine amino acid residue is found in multiple mammalian species, which suggests that this missense change does not adversely affect protein function. In summary, the available evidence is currently insufficient to determine the role of this variant in disease. Therefore, it has been classified as a Variant of Uncertain Significance.

NM_178859.4(SLC51B):c.145A>C (p.Ile49Leu)

Genes: RASL12 (RAS like family 12; minus strand), SLC51B (SLC51 subunit beta; plus strand). Cytogenetic location: 15q22.31.
Variant type: single nucleotide variant.
Coding change: c.145A>C on transcript NM_178859.4 (MANE Select); coding-DNA position 145, A replaced by C.
Protein change: p.Ile49Leu; replaces isoleucine 49 with leucine.
Molecular consequence: missense variant.
Genome position (GRCh38, 1-based): chr15:65,051,562, A>C. VCF-style: chr15-65051562-A-C. GRCh37 (hg19) VCF-style: chr15-65343900-A-C.
Other names: short protein forms I49L.
Identifiers: ClinVar variation 2835562 (VCV002835562.3), dbSNP rs2506187799, ClinGen allele CA392842024.